The following is an entry in ClinVar:

ClinVar aggregate classification (germline): Benign/Likely benign. Review status: criteria provided, multiple submitters, no conflicts (2 of 4 stars). 3 submissions from 3 submitters: Benign (1); Likely benign (2). Last evaluated 2025-11-24.

Conditions:
Cardiovascular phenotype. Identifiers: MedGen CN230736.
Duchenne muscular dystrophy (DMD). Also called: Duchenne Muscular Dystrophy (DMD); MUSCULAR DYSTROPHY, PSEUDOHYPERTROPHIC PROGRESSIVE, DUCHENNE TYPE. Identifiers: Orphanet 98896, MedGen C0013264, MONDO:0010679, OMIM 310200.

Allele frequency attached by ClinVar (database versions not stated): TOPMed below 0.00001.
gnomAD v4.1: 6 of 1,210,912 alleles (0.0005%); highest among the groups gnomAD compares: Non-Finnish European, 0.00067%; no homozygotes.

Submissions (3):

Labcorp Genetics (formerly Invitae), Labcorp
Classification: Benign for Duchenne muscular dystrophy. Last evaluated: 2025-11-24. Review status: criteria provided, single submitter. Criteria: Invitae Variant Classification Sherloc (09022015). Collection method: clinical testing. Allele origin: germline.

CeGaT Center for Human Genetics Tuebingen
Classification: Likely benign. Last evaluated: 2024-10-01. Review status: criteria provided, single submitter. Criteria: CeGaT Center For Human Genetics Tuebingen Variant Classification Criteria Version 2. Collection method: clinical testing. Allele origin: germline. Affected: yes. Observed: 1 variant allele.
Comment: DMD: BP4

Ambry Genetics
Classification: Likely benign for Cardiovascular phenotype. Last evaluated: 2023-12-03. Review status: criteria provided, single submitter. Criteria: Ambry Variant Classification Scheme 2023. Collection method: clinical testing. Allele origin: germline.

NM_004006.3(DMD):c.2888C>G (p.Ser963Cys)

Gene: DMD (dystrophin; minus strand). Cytogenetic location: Xp21.1.
Variant type: single nucleotide variant.
Coding change: c.2888C>G on transcript NM_004006.3 (MANE Select); coding-DNA position 2888, C replaced by G.
Protein change: p.Ser963Cys; replaces serine 963 with cysteine.
Molecular consequence: missense variant.
Genome position (GRCh38, 1-based): chrX:32,472,225, G>C on the plus strand (C>G on the coding strand, the complement: DMD is on the minus strand). VCF-style: chrX-32472225-G-C. GRCh37 (hg19) VCF-style: chrX-32490342-G-C.
Other names: c.2864C>G, p.Ser955Cys (NM_000109.4); c.2876C>G, p.Ser959Cys (NM_004009.3); c.2519C>G, p.Ser840Cys (NM_004010.3); short protein forms S963C, S840C, S959C, S955C.
Identifiers: ClinVar variation 2165953 (VCV002165953.19), dbSNP rs1429983365, ClinGen allele CA412668026.